The following is an entry in ClinVar:

NM_001099289.3(SH3RF3):c.1988G>A (p.Arg663Gln)

Genes: RANBP2 (RAN binding protein 2; plus strand), SH3RF3 (SH3 domain containing ring finger 3; plus strand). Cytogenetic location: 2q13.
Variant type: single nucleotide variant.
Coding change: c.1988G>A on transcript NM_001099289.3 (MANE Select); coding-DNA position 1988, G replaced by A.
Protein change: p.Arg663Gln; replaces arginine 663 with glutamine.
Molecular consequence: missense variant.
Genome position (GRCh38, 1-based): chr2:109,449,329, G>A. VCF-style: chr2-109449329-G-A. GRCh37 (hg19) VCF-style: chr2-110065785-G-A.
Other names: short protein forms R663Q.
Identifiers: ClinVar variation 3318132 (VCV003318132.1).
Genomic context (GRCh38, chr2:109,449,329, plus strand): 5'-GGCCCCACTCGGTGGTGTCCCCGCAGCACAGCCACCAGCCCCCGGTGCAGATGTGCCCAC[G>A]GCCGGCCATCCCCCTCACATCAGCAGCATCAGCCATCACACCTCCCAACGTCAGTGCCGC-3'
Protein context (NP_001092759.1, residues 653-673): SHQPPVQMCP[Arg663Gln]PAIPLTSAAS

ClinVar aggregate classification (germline): Uncertain significance (1 of 4 stars; one submission).

gnomAD v4.1: 13 of 1,605,200 alleles (0.00081%); highest among the groups gnomAD compares: African/African-American, 0.0013%; no homozygotes.

Submission:

Ambry Genetics
Classification: Uncertain significance. Last evaluated: 2024-05-21. Review status: criteria provided, single submitter. Criteria: Ambry Variant Classification Scheme 2023. Collection method: clinical testing. Allele origin: germline.
Comment: The c.1988G>A (p.R663Q) alteration is located in exon (coding exon ) of the SH3RF3 gene. This alteration results from a G to A substitution at nucleotide position 1988, causing the arginine (R) at amino acid position 663 to be replaced by a glutamine (Q). Based on insufficient or conflicting evidence, the clinical significance of this alteration remains unclear.